The following is an entry in ClinVar:

ClinVar aggregate classification (germline): Likely benign (0 of 4 stars; one submission).

Conditions:
PLXNA3-related disorder. Also called: PLXNA3-related condition.

gnomAD v4.1: 12 of 1,205,228 alleles (0.001%); highest among the groups gnomAD compares: Admixed American, 0.0087%; no homozygotes.

Submission:

PreventionGenetics, part of Exact Sciences
Classification: Likely benign for PLXNA3-related condition. Last evaluated: 2024-07-08. Review status: no assertion criteria provided. Collection method: clinical testing. Allele origin: germline.
Comment: This variant is classified as likely benign based on ACMG/AMP sequence variant interpretation guidelines (Richards et al. 2015 PMID: 25741868, with internal and published modifications).

NM_017514.5(PLXNA3):c.1491C>T (p.Cys497=)

Gene: PLXNA3 (plexin A3; plus strand). Cytogenetic location: Xq28.
Variant type: single nucleotide variant.
Coding change: c.1491C>T on transcript NM_017514.5 (MANE Select); coding-DNA position 1491, C replaced by T.
Protein change: p.Cys497=; no amino-acid change (cysteine 497 retained).
Molecular consequence: synonymous variant.
Genome position (GRCh38, 1-based): chrX:154,463,634, C>T. VCF-style: chrX-154463634-C-T. GRCh37 (hg19) VCF-style: chrX-153691977-C-T.
Identifiers: ClinVar variation 3354687 (VCV003354687.1).